The following is an entry in ClinVar:

NM_007194.4(CHEK2):c.98C>G (p.Ser33Ter)

Gene: CHEK2 (checkpoint kinase 2; minus strand). Cytogenetic location: 22q12.1.
Variant type: single nucleotide variant.
Coding change: c.98C>G on transcript NM_007194.4 (MANE Select); coding-DNA position 98, C replaced by G.
Protein change: p.Ser33Ter; replaces serine 33 with a stop codon.
Molecular consequence: nonsense.
Genome position (GRCh38, 1-based): chr22:28,734,624, G>C on the plus strand (C>G on the coding strand, the complement: CHEK2 is on the minus strand). VCF-style: chr22-28734624-G-C. GRCh37 (hg19) VCF-style: chr22-29130612-G-C.
Other names: c.98C>G, p.Ser33Ter (NM_001005735.3, NM_001349956.3, NM_145862.3); c.-680C>G (NM_001257387.3); short protein forms S33*.
Identifiers: ClinVar variation 1768544 (VCV001768544.6), dbSNP rs2054331180, ClinGen allele CA411091510.

ClinVar aggregate classification (germline): Pathogenic. Review status: criteria provided, multiple submitters, no conflicts (2 of 4 stars). 3 submissions from 3 submitters: Pathogenic (3). Last evaluated 2025-01-12.

Conditions:
Hereditary cancer-predisposing syndrome. Also called: Hereditary Cancer Syndrome; Hereditary neoplastic syndrome; Neoplastic Syndromes, Hereditary; Tumor predisposition. Identifiers: Orphanet 140162, MedGen C0027672, MeSH D009386, MONDO:0015356.
Familial cancer of breast. Also called: BREAST CANCER, FAMILIAL; hereditary breast carcinoma; Hereditary breast cancer. Identifiers: Orphanet 227535, MedGen C0346153, MONDO:0016419, OMIM 114480. Disease mechanism: loss of function.

Submissions (3):

Labcorp Genetics (formerly Invitae), Labcorp
Classification: Pathogenic for Familial cancer of breast. Last evaluated: 2025-01-12. Review status: criteria provided, single submitter. Criteria: Invitae Variant Classification Sherloc (09022015). Collection method: clinical testing. Allele origin: germline.
Comment: This sequence change creates a premature translational stop signal (p.Ser33*) in the CHEK2 gene. It is expected to result in an absent or disrupted protein product. Loss-of-function variants in CHEK2 are known to be pathogenic (PMID: 21876083, 24713400). This variant is not present in population databases (gnomAD no frequency). This premature translational stop signal has been observed in individual(s) with breast cancer (PMID: 36232564). ClinVar contains an entry for this variant (Variation ID: 1768544). For these reasons, this variant has been classified as Pathogenic.

Myriad Genetics, Inc.
Classification: Pathogenic for Familial cancer of breast. Last evaluated: 2023-09-14. Review status: criteria provided, single submitter. Criteria: Myriad Autosomal Dominant, Autosomal Recessive and X-Linked Classification Criteria (2023). Collection method: clinical testing. Allele origin: unknown.
Comment: This variant is considered pathogenic. This variant creates a termination codon and is predicted to result in premature protein truncation.

Ambry Genetics
Classification: Pathogenic for Hereditary cancer-predisposing syndrome. Last evaluated: 2021-08-06. Review status: criteria provided, single submitter. Criteria: Ambry Variant Classification Scheme 2023. Collection method: clinical testing. Allele origin: germline.
Comment: The p.S33* pathogenic mutation (also known as c.98C>G), located in coding exon 1 of the CHEK2 gene, results from a C to G substitution at nucleotide position 98. This changes the amino acid from a serine to a stop codon within coding exon 1. This variant was reported in 1/60,466 breast cancer cases and in 0/53,461 controls (Dorling et al. N Engl J Med. 2021 02;384:428-439). This variant is considered to be rare based on population cohorts in the Genome Aggregation Database (gnomAD). In addition to the clinical data presented in the literature, this alteration is expected to result in loss of function by premature protein truncation or nonsense-mediated mRNA decay. As such, this alteration is interpreted as a disease-causing mutation.

Literature cited by the submitters: PubMed 21876083 (cited by Labcorp Genetics (formerly Invitae), Labcorp); PubMed 24713400 (cited by Labcorp Genetics (formerly Invitae), Labcorp); PubMed 36232564 (cited by Labcorp Genetics (formerly Invitae), Labcorp); PubMed 33471991 (cited by Ambry Genetics).